The following is an entry in ClinVar:

ClinVar aggregate classification (germline): Pathogenic (1 of 4 stars; one submission).

Conditions:
Oligodontia-cancer predisposition syndrome. Also called: TOOTH AGENESIS-COLORECTAL CANCER SYNDROME. Identifiers: Orphanet 300576, MedGen C1837750, MONDO:0012075, OMIM 608615. Disease mechanism: loss of function.

Submission:

Labcorp Genetics (formerly Invitae), Labcorp
Classification: Pathogenic for Oligodontia-cancer predisposition syndrome. Last evaluated: 2023-07-16. Review status: criteria provided, single submitter. Criteria: Invitae Variant Classification Sherloc (09022015). Collection method: clinical testing. Allele origin: germline.
Comment: For these reasons, this variant has been classified as Pathogenic. This variant has not been reported in the literature in individuals affected with AXIN2-related conditions. This variant is not present in population databases (gnomAD no frequency). This sequence change creates a premature translational stop signal (p.Asp723Glyfs*41) in the AXIN2 gene. It is expected to result in an absent or disrupted protein product. Loss-of-function variants in AXIN2 are known to be pathogenic (PMID: 15042511, 21416598).

Literature cited by the submitters: PubMed 15042511; PubMed 21416598.

NM_004655.4(AXIN2):c.2167dup (p.Asp723fs)

Gene: AXIN2 (axin 2; minus strand). Cytogenetic location: 17q24.1.
Variant type: Duplication.
Coding change: c.2167dup on transcript NM_004655.4 (MANE Select); coding-DNA position 2167, one base duplicated (G; older notation c.2167dupG).
Protein change: p.Asp723fs; shifts the reading frame from aspartic acid 723.
Molecular consequence: frameshift variant.
Genome position (GRCh38, 1-based): chr17:65,535,696, C duplicated on the plus strand (G on the coding strand, the reverse complement: AXIN2 is on the minus strand); the first of 3 consecutive C bases (chr17:65,535,696-65,535,698); duplicating any one gives the same sequence. VCF-style (leftmost placement, unchanged base first): chr17-65535695-T-TC. GRCh37 (hg19) VCF-style: chr17-63531813-T-TC.
Other names: c.1972dup, p.Asp658fs (NM_001363813.1); short protein forms D658fs, D723fs.
Identifiers: ClinVar variation 2743895 (VCV002743895.3), dbSNP rs2509397413, ClinGen allele CA2697555087.